The following is an entry in ClinVar:

ClinVar aggregate classification (germline): Likely benign. Review status: criteria provided, multiple submitters, no conflicts (2 of 4 stars). 3 submissions from 3 submitters: Likely benign (3). Last evaluated 2024-09-30.

Allele frequency attached by ClinVar (database versions not stated): gnomAD 0.00002 and 0.00003; gnomAD exomes 0.00003 and 0.00009; TOPMed 0.00005; ExAC 0.00007.
gnomAD v4.1: 42 of 1,613,034 alleles (0.0026%); highest among the groups gnomAD compares: East Asian, 0.031%; no homozygotes.

Submissions (3):

Labcorp Genetics (formerly Invitae), Labcorp
Classification: Likely benign. Last evaluated: 2024-09-30. Review status: criteria provided, single submitter. Criteria: Invitae Variant Classification Sherloc (09022015). Collection method: clinical testing. Allele origin: germline.

Blueprint Genetics
Classification: Likely benign. Last evaluated: 2022-10-14. Review status: criteria provided, single submitter. Criteria: ACMG Guidelines, 2015. Collection method: clinical testing. Allele origin: germline.

Laboratory for Molecular Medicine, Mass General Brigham Personalized Medicine
Classification: Likely benign. Last evaluated: 2017-08-23. Review status: criteria provided, single submitter. Criteria: LMM Criteria. Collection method: clinical testing. Allele origin: germline. Observed: 1 variant allele.
Comment: p.Cys1389Cys in exon 12 of TECTA: This variant is not expected to have clinical significance because it does not alter an amino acid residue and is not located within the splice consensus sequence. It has been identified in 0.09% (8/8642) o f East Asian chromosomes by the Exome Aggregation Consortium (ExAC.; dbSNP rs745818507).

NM_005422.4(TECTA):c.4167C>T (p.Cys1389=)

Genes: TBCEL-TECTA (TBCEL-TECTA readthrough; plus strand), TECTA (tectorin alpha; plus strand). Cytogenetic location: 11q23.3.
Variant type: single nucleotide variant.
Coding change: c.4167C>T on transcript NM_005422.4 (MANE Select); coding-DNA position 4167, C replaced by T.
Protein change: p.Cys1389=; no amino-acid change (cysteine 1389 retained).
Molecular consequence: synonymous variant.
Genome position (GRCh38, 1-based): chr11:121,152,942, C>T. VCF-style: chr11-121152942-C-T. GRCh37 (hg19) VCF-style: chr11-121023651-C-T.
Other names: c.5124C>T, p.Cys1708= (NM_001378761.1).
Identifiers: ClinVar variation 667172 (VCV000667172.12), dbSNP rs745818507, ClinGen allele CA6327378.